The following is an entry in ClinVar:

ClinVar aggregate classification (germline): Uncertain significance (1 of 4 stars; one submission).

Allele frequency attached by ClinVar (database versions not stated): ExAC 0.00002.
gnomAD v4.1: 4 of 1,614,068 alleles (0.00025%); highest among the groups gnomAD compares: South Asian, 0.0033%; no homozygotes.

Submission:

Labcorp Genetics (formerly Invitae), Labcorp
Classification: Uncertain significance. Last evaluated: 2023-08-23. Review status: criteria provided, single submitter. Criteria: Invitae Variant Classification Sherloc (09022015). Collection method: clinical testing. Allele origin: germline.
Comment: In summary, the available evidence is currently insufficient to determine the role of this variant in disease. Therefore, it has been classified as a Variant of Uncertain Significance. Advanced modeling of protein sequence and biophysical properties (such as structural, functional, and spatial information, amino acid conservation, physicochemical variation, residue mobility, and thermodynamic stability) performed at Invitae indicates that this missense variant is not expected to disrupt LRP2 protein function. This variant has not been reported in the literature in individuals affected with LRP2-related conditions. This variant is present in population databases (rs771527344, gnomAD 0.01%). This sequence change replaces isoleucine, which is neutral and non-polar, with leucine, which is neutral and non-polar, at codon 3897 of the LRP2 protein (p.Ile3897Leu).

NM_004525.3(LRP2):c.11689A>C (p.Ile3897Leu)

Gene: LRP2 (LDL receptor related protein 2; minus strand). Cytogenetic location: 2q31.1.
Variant type: single nucleotide variant.
Coding change: c.11689A>C on transcript NM_004525.3 (MANE Select); coding-DNA position 11689, A replaced by C.
Protein change: p.Ile3897Leu; replaces isoleucine 3897 with leucine.
Molecular consequence: missense variant.
Genome position (GRCh38, 1-based): chr2:169,166,001, T>G on the plus strand (A>C on the coding strand, the complement: LRP2 is on the minus strand). VCF-style: chr2-169166001-T-G. GRCh37 (hg19) VCF-style: chr2-170022511-T-G.
Other names: short protein forms I3897L.
Identifiers: ClinVar variation 2974010 (VCV002974010.1), dbSNP rs771527344, ClinGen allele CA1952992.